The following is an entry in ClinVar:

ClinVar aggregate classification (germline): Pathogenic (1 of 4 stars; one submission).

Submission:

Labcorp Genetics (formerly Invitae), Labcorp
Classification: Pathogenic. Last evaluated: 2021-02-04. Review status: criteria provided, single submitter. Criteria: Invitae Variant Classification Sherloc (09022015). Collection method: clinical testing. Allele origin: germline.
Comment: For these reasons, this variant has been classified as Pathogenic. This variant has not been reported in the literature in individuals with CAMTA1-related conditions. This variant is a gross deletion of the genomic region encompassing exon(s) 1-3 of the CAMTA1 gene, which includes the initiator codon. The 5' end of this event is unknown as it extends beyond the assayed region for this gene and therefore may encompass additional genes. The 3' boundary is likely confined to intron 3 of the CAMTA1 gene. It is expected to result in an absent or disrupted protein product. Loss-of-function variants in CAMTA1 are known to be pathogenic (PMID: 22693284).

Literature cited by the submitters: PubMed 22693284.

NC_000001.10:g.(?_6845591)_(6947785_?)del

Gene: CAMTA1 (calmodulin binding transcription activator 1; plus strand). Cytogenetic location: 1p36.31.
Variant type: Deletion.
Identifiers: ClinVar variation 1451348 (VCV001451348.5).